The following is an entry in ClinVar:

ClinVar aggregate classification (germline): Uncertain significance (1 of 4 stars; one submission).

Submission:

Labcorp Genetics (formerly Invitae), Labcorp
Classification: Uncertain significance. Last evaluated: 2022-09-01. Review status: criteria provided, single submitter. Criteria: Invitae Variant Classification Sherloc (09022015). Collection method: clinical testing. Allele origin: unknown.
Comment: In summary, the available evidence is currently insufficient to determine the role of this variant in disease. Therefore, it has been classified as a Variant of Uncertain Significance. This variant has not been reported in the literature in individuals affected with IMPG1-related conditions. This variant results in a copy number gain of the genomic region encompassing exon(s) 2-4 of the IMPG1 gene. While the exact position of this variant cannot be determined from the data, sub-genic copy number gains are generally in tandem (PMID: 25640679). This variant is predicted to be out-of-frame, and may result in an absent or disrupted protein product. However, the current clinical and genetic evidence is not sufficient to establish whether loss-of-function variants in IMPG1 cause disease.

Literature cited by the submitters: PubMed 25640679.

NC_000006.11:g.(?_76744032)_(76751843_?)dup

Gene: IMPG1 (interphotoreceptor matrix proteoglycan 1; minus strand). Cytogenetic location: 6q14.1.
Variant type: Duplication.
Identifiers: ClinVar variation 3246162 (VCV003246162.1).